The following is an entry in ClinVar:

ClinVar aggregate classification (germline): Uncertain significance (1 of 4 stars; one submission).

Allele frequency attached by ClinVar (database versions not stated): gnomAD 0.00001.
gnomAD v4.1: 5 of 1,609,058 alleles (0.00031%); highest among the groups gnomAD compares: Non-Finnish European, 0.00034%; no homozygotes.

Submission:

Labcorp Genetics (formerly Invitae), Labcorp
Classification: Uncertain significance. Last evaluated: 2022-06-22. Review status: criteria provided, single submitter. Criteria: Invitae Variant Classification Sherloc (09022015). Collection method: clinical testing. Allele origin: germline.
Comment: This sequence change replaces proline, which is neutral and non-polar, with leucine, which is neutral and non-polar, at codon 184 of the BLOC1S3 protein (p.Pro184Leu). This variant is not present in population databases (gnomAD no frequency). This variant has not been reported in the literature in individuals affected with BLOC1S3-related conditions. Algorithms developed to predict the effect of missense changes on protein structure and function are either unavailable or do not agree on the potential impact of this missense change (SIFT: "Deleterious"; PolyPhen-2: "Probably Damaging"; Align-GVGD: "Class C0"). In summary, the available evidence is currently insufficient to determine the role of this variant in disease. Therefore, it has been classified as a Variant of Uncertain Significance.

NM_212550.5(BLOC1S3):c.551C>T (p.Pro184Leu)

Gene: BLOC1S3 (biogenesis of lysosomal organelles complex 1 subunit 3; plus strand). Cytogenetic location: 19q13.32.
Variant type: single nucleotide variant.
Coding change: c.551C>T on transcript NM_212550.5 (MANE Select); coding-DNA position 551, C replaced by T.
Protein change: p.Pro184Leu; replaces proline 184 with leucine.
Molecular consequence: missense variant.
Genome position (GRCh38, 1-based): chr19:45,179,847, C>T. VCF-style: chr19-45179847-C-T. GRCh37 (hg19) VCF-style: chr19-45683105-C-T.
Other names: short protein forms P184L.
Identifiers: ClinVar variation 2192206 (VCV002192206.1), dbSNP rs767423019, ClinGen allele CA308943565.
Genomic context (GRCh38, chr19:45,179,847, plus strand): 5'-GCGGGGACCTTTGTGCGCTGGCCGAGCGTCTGGACATCGTGGCTGGCTGCCGCCTGCTGC[C>T]GGACATCCGCGGCGTGCCAGGGACCGAGCCTGAGAAAGACCCGGGGCCGCGGGCCTAGCC-3'
Protein context (NP_997715.1, residues 174-194): LDIVAGCRLL[Pro184Leu]DIRGVPGTEP